The following is an entry in ClinVar:

NM_000169.3(GLA):c.125T>G (p.Met42Arg)

Genes: GLA (galactosidase alpha; minus strand), RPL36A-HNRNPH2 (RPL36A-HNRNPH2 readthrough; plus strand). Cytogenetic location: Xq22.1.
Variant type: single nucleotide variant.
Coding change: c.125T>G on transcript NM_000169.3 (MANE Select); coding-DNA position 125, T replaced by G.
Protein change: p.Met42Arg; replaces methionine 42 with arginine.
Molecular consequence: missense variant. On other transcripts: non-coding transcript variant (3), intron variant (2).
Genome position (GRCh38, 1-based): chrX:101,407,779, A>C on the plus strand (T>G on the coding strand, the complement: GLA is on the minus strand). VCF-style: chrX-101407779-A-C. GRCh37 (hg19) VCF-style: chrX-100662767-A-C.
Other names: c.125T>G, p.Met42Arg (NM_001406747.1, NM_001406748.1, NM_001406749.1); c.301-4157A>C (NM_001199973.2); c.178-4157A>C (NM_001199974.2); short protein forms M42R.
Identifiers: ClinVar variation 4087616 (VCV004087616.2).
Genomic context (GRCh38, chrX:101,407,779, plus strand): 5'-GAATCTGGCTCTTCCTGGCAGTCAAGGTTGCACATGAAGCGCTCCCAGTGCAGCCAGCCC[A>C]TGGTAGGCGTCCTTGCCAATCCATTGTCCAGTGCTCTAGCCCCAGGGATGTCCCAGGAAA-3'
Protein context (NP_000160.1, residues 32-52): LDNGLARTPT[Met42Arg]GWLHWERFMC

ClinVar aggregate classification (germline): Likely pathogenic (1 of 4 stars; one submission).

Conditions:
Fabry disease. Also called: ALPHA-GALACTOSIDASE A DEFICIENCY; ANDERSON-FABRY DISEASE; CERAMIDE TRIHEXOSIDASE DEFICIENCY; GLA DEFICIENCY; HEREDITARY DYSTOPIC LIPIDOSIS; Angiokeratoma corporis diffusum. Identifiers: Orphanet 324, MedGen C0002986, MONDO:0010526, OMIM 301500, HP:0001071. Disease mechanism: Fabry disease is due to inactivating mutations in the X-linked GLA gene resulting in deficiency of the enzyme Alpha Galactosidase-A., loss of function.

Submission:

Genomenon, Inc
Classification: Likely pathogenic for Fabry disease. Last evaluated: 2026-09-08. Review status: criteria provided, single submitter. Criteria: Genomenon Sequence Variant Interpretation Standards - Updated. Collection method: curation. Allele origin: germline. Affected: yes.
Comment: GLA p.Met42Arg (c.125T>G) is a missense variant that changes the amino acid at codon 42 from Methionine to Arginine. This variant has been observed in at least one proband with clinical features consistent with Fabry disease (PMID:36595126;32442237;36247762). The variant was found to segregate with disease in at least one affected family (PMID:36247762). Functional or patient cell studies have been reported (PMID:27657681). This variant is located in a mutational hotspot and/or important functional domain. It is absent or not present at a significant frequency in gnomAD. In silico models predict that this variant is possibly or probably damaging. In conclusion, we classify GLA p.Met42Arg (c.125T>G) as a likely pathogenic variant.

Literature cited by the submitters: PubMed 36595126; PubMed 32442237; PubMed 36247762; PubMed 27657681.